The following is an entry in ClinVar:

ClinVar aggregate classification (germline): Uncertain significance. Review status: criteria provided, multiple submitters, no conflicts (2 of 4 stars). 2 submissions from 2 submitters: Uncertain significance (2). Last evaluated 2025-06-17.

Conditions:
Hereditary cancer-predisposing syndrome. Also called: Neoplastic Syndromes, Hereditary; Hereditary Cancer Syndrome; Hereditary neoplastic syndrome; Tumor predisposition. Identifiers: Orphanet 140162, MedGen C0027672, MeSH D009386, MONDO:0015356.
EGFR-related lung cancer (EGFR). Identifiers: MedGen CN130014.

Allele frequency attached by ClinVar (database versions not stated): gnomAD exomes below 0.00001.
gnomAD v4.1: 3 of 1,614,220 alleles (0.00019%); highest among the groups gnomAD compares: Non-Finnish European, 0.00025%; no homozygotes.

Submissions (2):

Ambry Genetics
Classification: Uncertain significance for Hereditary cancer-predisposing syndrome. Last evaluated: 2025-06-17. Review status: criteria provided, single submitter. Criteria: Ambry Variant Classification Scheme 2023. Collection method: clinical testing. Allele origin: germline.
Comment: The p.L509S variant (also known as c.1526T>C), located in coding exon 13 of the EGFR gene, results from a T to C substitution at nucleotide position 1526. The leucine at codon 509 is replaced by serine, an amino acid with dissimilar properties. This amino acid position is well conserved in available vertebrate species. In addition, the in silico prediction for this alteration is inconclusive. Based on the available evidence, the clinical significance of this variant remains unclear.

Labcorp Genetics (formerly Invitae), Labcorp
Classification: Uncertain significance for EGFR-related lung cancer. Last evaluated: 2024-10-10. Review status: criteria provided, single submitter. Criteria: Invitae Variant Classification Sherloc (09022015). Collection method: clinical testing. Allele origin: germline.
Comment: This sequence change replaces leucine, which is neutral and non-polar, with serine, which is neutral and polar, at codon 509 of the EGFR protein (p.Leu509Ser). This variant is present in population databases (no rsID available, gnomAD 0.0009%). This variant has not been reported in the literature in individuals affected with EGFR-related conditions. ClinVar contains an entry for this variant (Variation ID: 1440091). Invitae Evidence Modeling of protein sequence and biophysical properties (such as structural, functional, and spatial information, amino acid conservation, physicochemical variation, residue mobility, and thermodynamic stability) has been performed for this missense variant. However, the output from this modeling did not meet the statistical confidence thresholds required to predict the impact of this variant on EGFR protein function. In summary, the available evidence is currently insufficient to determine the role of this variant in disease. Therefore, it has been classified as a Variant of Uncertain Significance.

NM_005228.5(EGFR):c.1526T>C (p.Leu509Ser)

Gene: EGFR (epidermal growth factor receptor; plus strand). Cytogenetic location: 7p11.2.
Variant type: single nucleotide variant.
Coding change: c.1526T>C on transcript NM_005228.5 (MANE Select); coding-DNA position 1526, T replaced by C.
Protein change: p.Leu509Ser; replaces leucine 509 with serine.
Molecular consequence: missense variant.
Genome position (GRCh38, 1-based): chr7:55,161,526, T>C. VCF-style: chr7-55161526-T-C. GRCh37 (hg19) VCF-style: chr7-55229219-T-C.
Other names: c.1391T>C, p.Leu464Ser (NM_001346897.2, NM_001346899.2); c.1526T>C, p.Leu509Ser (NM_001346898.2, NM_201282.2, NM_201284.2); c.1367T>C, p.Leu456Ser (NM_001346900.2); c.725T>C, p.Leu242Ser (NM_001346941.2); c.1526T>C (NM_005228.3); short protein forms L242S, L456S, L509S, L464S.
Identifiers: ClinVar variation 1440091 (VCV001440091.9), dbSNP rs1240855741, ClinGen allele CA367579821.